The following is an entry in ClinVar:

NM_001291832.2(ERFE):c.324C>T (p.Phe108=)

Gene: ERFE (erythroferrone; plus strand). Cytogenetic location: 2q37.3.
Variant type: single nucleotide variant.
Coding change: c.324C>T on transcript NM_001291832.2 (MANE Select); coding-DNA position 324, C replaced by T.
Protein change: p.Phe108=; no amino-acid change (phenylalanine 108 retained).
Molecular consequence: synonymous variant.
Genome position (GRCh38, 1-based): chr2:238,162,738, C>T. VCF-style: chr2-238162738-C-T. GRCh37 (hg19) VCF-style: chr2-239071379-C-T.
Identifiers: ClinVar variation 2652062 (VCV002652062.24), dbSNP rs1433729964, ClinGen allele CA431691257.

ClinVar aggregate classification (germline): Likely benign (1 of 4 stars; one submission).

Allele frequency attached by ClinVar (database versions not stated): gnomAD 0.00006.
gnomAD v4.1: 62 of 1,543,494 alleles (0.004%); highest among the groups gnomAD compares: Admixed American, 0.014%; no homozygotes.

Submission:

CeGaT Center for Human Genetics Tuebingen
Classification: Likely benign. Last evaluated: 2022-12-01. Review status: criteria provided, single submitter. Criteria: CeGaT Center For Human Genetics Tuebingen Variant Classification Criteria Version 2. Collection method: clinical testing. Allele origin: germline. Affected: yes. Observed: 1 variant allele.
Comment: ERFE: BP4, BP7